The following is an entry in ClinVar:

NM_000158.4(GBE1):c.1569del (p.Arg524fs)

Gene: GBE1 (1,4-alpha-glucan branching enzyme 1; minus strand). Cytogenetic location: 3p12.2.
Variant type: Deletion.
Coding change: c.1569del on transcript NM_000158.4 (MANE Select); coding-DNA position 1569, one base deleted (T; older notation c.1569delT).
Protein change: p.Arg524fs; shifts the reading frame from arginine 524.
Molecular consequence: frameshift variant.
Genome position (GRCh38, 1-based): chr3:81,577,974, A deleted on the plus strand (T on the coding strand, the reverse complement: GBE1 is on the minus strand); the first of 2 consecutive A bases (chr3:81,577,974-81,577,975); deleting either gives the same sequence. VCF-style (leftmost placement, unchanged base first): chr3-81577973-GA-G. GRCh37 (hg19) VCF-style: chr3-81627124-GA-G.
Other names: short protein forms R524fs.
Identifiers: ClinVar variation 2951233 (VCV002951233.3), dbSNP rs2471722837, ClinGen allele CA2740094527.

ClinVar aggregate classification (germline): Pathogenic (1 of 4 stars; one submission).

Conditions:
Glycogen storage disease, type IV (GSD4). Also called: BRANCHER DEFICIENCY; AMYLOPECTINOSIS; ANDERSEN DISEASE; CIRRHOSIS, FAMILIAL, WITH DEPOSITION OF ABNORMAL GLYCOGEN; Glycogen storage disease due to glycogen branching enzyme deficiency; GBE1 DEFICIENCY. Identifiers: Orphanet 367, MedGen C0017923, MONDO:0009292, OMIM 232500.
Glycogen storage disease IV, classic hepatic. Also called: GSD IV, CLASSIC HEPATIC. Identifiers: MedGen C1856301.

Submission:

Labcorp Genetics (formerly Invitae), Labcorp
Classification: Pathogenic for Glycogen storage disease, type IV; Glycogen storage disease IV, classic hepatic. Last evaluated: 2023-08-24. Review status: criteria provided, single submitter. Criteria: Invitae Variant Classification Sherloc (09022015). Collection method: clinical testing. Allele origin: germline.
Comment: This sequence change creates a premature translational stop signal (p.Arg524Aspfs*26) in the GBE1 gene. It is expected to result in an absent or disrupted protein product. Loss-of-function variants in GBE1 are known to be pathogenic (PMID: 15452297, 20058079). This variant is not present in population databases (gnomAD no frequency). This variant has not been reported in the literature in individuals affected with GBE1-related conditions. For these reasons, this variant has been classified as Pathogenic.

Literature cited by the submitters: PubMed 15452297; PubMed 20058079.